The following is an entry in ClinVar:

ClinVar aggregate classification (germline): Likely benign. Review status: criteria provided, multiple submitters, no conflicts (2 of 4 stars). 2 submissions from 2 submitters: Likely benign (2). Last evaluated 2025-12-29.

Conditions:
Ehlers-Danlos syndrome, classic type, 1 (EDSCL1). Also called: EHLERS-DANLOS SYNDROME, GRAVIS TYPE; EHLERS-DANLOS SYNDROME, SEVERE CLASSIC TYPE; EDS I; Ehlers-Danlos Syndrome, Classic Type, COL5A1-Related; Ehlers-Danlos syndrome, type 1. Identifiers: MedGen C0268335, MONDO:0019567, OMIM 130000.

Submissions (2):

Labcorp Genetics (formerly Invitae), Labcorp
Classification: Likely benign for Ehlers-Danlos syndrome, classic type, 1. Last evaluated: 2025-12-29. Review status: criteria provided, single submitter. Criteria: Invitae Variant Classification Sherloc (09022015). Collection method: clinical testing. Allele origin: germline.

GeneDx
Classification: Likely benign. Last evaluated: 2017-07-26. Review status: criteria provided, single submitter. Criteria: GeneDx Variant Classification (06012015). Collection method: clinical testing. Allele origin: germline. Affected: yes.
Comment: This variant is considered likely benign or benign based on one or more of the following criteria: it is a conservative change, it occurs at a poorly conserved position in the protein, it is predicted to be benign by multiple in silico algorithms, and/or has population frequency not consistent with disease.

NM_000393.5(COL5A2):c.1179G>A (p.Gly393=)

Gene: COL5A2 (collagen type V alpha 2 chain; minus strand). Cytogenetic location: 2q32.2.
Variant type: single nucleotide variant.
Coding change: c.1179G>A on transcript NM_000393.5 (MANE Select); coding-DNA position 1179, G replaced by A.
Protein change: p.Gly393=; no amino-acid change (glycine 393 retained).
Molecular consequence: synonymous variant.
Genome position (GRCh38, 1-based): chr2:189,068,864, C>T on the plus strand (G>A on the coding strand, the complement: COL5A2 is on the minus strand). VCF-style: chr2-189068864-C-T. GRCh37 (hg19) VCF-style: chr2-189933590-C-T.
Identifiers: ClinVar variation 511033 (VCV000511033.4), dbSNP rs1553515878, ClinGen allele CA430303838.